The following is an entry in ClinVar:

NM_004614.5(TK2):c.514A>G (p.Met172Val)

Gene: TK2 (thymidine kinase 2; minus strand). Cytogenetic location: 16q21.
Variant type: single nucleotide variant.
Coding change: c.514A>G on transcript NM_004614.5 (MANE Select); coding-DNA position 514, A replaced by G.
Protein change: p.Met172Val; replaces methionine 172 with valine.
Molecular consequence: missense variant. On other transcripts: non-coding transcript variant (1), intron variant (1).
Genome position (GRCh38, 1-based): chr16:66,517,813, T>C on the plus strand (A>G on the coding strand, the complement: TK2 is on the minus strand). VCF-style: chr16-66517813-T-C. GRCh37 (hg19) VCF-style: chr16-66551716-T-C.
Other names: c.421A>G, p.Met141Val (NM_001172643.1); c.439A>G, p.Met147Val (NM_001172644.2); c.460A>G, p.Met154Val (NM_001172645.2); c.367A>G, p.Met123Val (NM_001271934.2); c.223A>G, p.Met75Val (NM_001272050.2); c.357-4002A>G (NM_001271935.1); short protein forms M172V, M141V, M123V, M147V, M154V, M75V.
Identifiers: ClinVar variation 379673 (VCV000379673.7), dbSNP rs1057520686, ClinGen allele CA16607436.

ClinVar aggregate classification (germline): Conflicting classifications of pathogenicity. Review status: criteria provided, conflicting classifications (1 of 4 stars). 2 submissions from 2 submitters: Uncertain significance (1); Likely benign (1). Last evaluated 2021-01-12.

Allele frequency attached by ClinVar (database versions not stated): gnomAD exomes below 0.00001; TOPMed below 0.00001.

Submissions (2):

Labcorp Genetics (formerly Invitae), Labcorp
Classification: Uncertain significance. Last evaluated: 2021-01-12. Review status: criteria provided, single submitter. Criteria: Invitae Variant Classification Sherloc (09022015). Collection method: clinical testing. Allele origin: germline.
Comment: This sequence change replaces methionine with valine at codon 172 of the TK2 protein (p.Met172Val). The methionine residue is weakly conserved and there is a small physicochemical difference between methionine and valine. This variant is not present in population databases (ExAC no frequency). This variant has not been reported in the literature in individuals with TK2-related conditions. ClinVar contains an entry for this variant (Variation ID: 379673). Algorithms developed to predict the effect of missense changes on protein structure and function (SIFT, PolyPhen-2, Align-GVGD) all suggest that this variant is likely to be tolerated, but these predictions have not been confirmed by published functional studies and their clinical significance is uncertain. In summary, the available evidence is currently insufficient to determine the role of this variant in disease. Therefore, it has been classified as a Variant of Uncertain Significance.

GeneDx
Classification: Likely benign. Last evaluated: 2015-05-06. Review status: criteria provided, single submitter. Criteria: GeneDx Variant Classification (06012015). Collection method: clinical testing. Allele origin: germline. Affected: yes.
Comment: This variant is considered likely benign or benign based on one or more of the following criteria: it is a conservative change, it occurs at a poorly conserved position in the protein, it is predicted to be benign by multiple in silico algorithms, and/or has population frequency not consistent with disease.